The following is an entry in ClinVar:

ClinVar aggregate classification (germline): Uncertain significance (1 of 4 stars; one submission).

gnomAD v4.1: 3 of 1,613,630 alleles (0.00019%); highest among the groups gnomAD compares: Admixed American, 0.0017%; no homozygotes.

Submission:

Ambry Genetics
Classification: Uncertain significance. Last evaluated: 2024-10-05. Review status: criteria provided, single submitter. Criteria: Ambry Variant Classification Scheme 2023. Collection method: clinical testing. Allele origin: germline.
Comment: The p.I743V variant (also known as c.2227A>G), located in coding exon 13 of the NPAT gene, results from an A to G substitution at nucleotide position 2227. The isoleucine at codon 743 is replaced by valine, an amino acid with highly similar properties. This amino acid position is conserved. In addition, this alteration is predicted to be tolerated by in silico analysis. Based on the available evidence, the clinical significance of this variant remains unclear.

NM_002519.3(NPAT):c.2227A>G (p.Ile743Val)

Gene: NPAT (nuclear protein, coactivator of histone transcription; minus strand). Cytogenetic location: 11q22.3.
Variant type: single nucleotide variant.
Coding change: c.2227A>G on transcript NM_002519.3 (MANE Select); coding-DNA position 2227, A replaced by G.
Protein change: p.Ile743Val; replaces isoleucine 743 with valine.
Molecular consequence: missense variant.
Genome position (GRCh38, 1-based): chr11:108,172,757, T>C on the plus strand (A>G on the coding strand, the complement: NPAT is on the minus strand). VCF-style: chr11-108172757-T-C. GRCh37 (hg19) VCF-style: chr11-108043484-T-C.
Other names: c.2227A>G, p.Ile743Val (NM_001321307.1); short protein forms I743V.
Identifiers: ClinVar variation 3407157 (VCV003407157.1).